The following is an entry in ClinVar:

NM_001846.4(COL4A2):c.4388C>T (p.Pro1463Leu)

Genes: COL4A2 (collagen type IV alpha 2 chain; plus strand), COL4A2-AS1 (COL4A2 antisense RNA 1; minus strand). Cytogenetic location: 13q34.
Variant type: single nucleotide variant.
Coding change: c.4388C>T on transcript NM_001846.4 (MANE Select); coding-DNA position 4388, C replaced by T.
Protein change: p.Pro1463Leu; replaces proline 1463 with leucine.
Molecular consequence: missense variant.
Genome position (GRCh38, 1-based): chr13:110,504,250, C>T. VCF-style: chr13-110504250-C-T. GRCh37 (hg19) VCF-style: chr13-111156597-C-T.
Other names: short protein forms P1463L.
Identifiers: ClinVar variation 1497303 (VCV001497303.8), dbSNP rs766824658, ClinGen allele CA7050508.
Genomic context (GRCh38, chr13:110,504,250, plus strand): 5'-GTGGTGTGTCTGCTGTTCCCGGCTTCCGGGGAGATGAAGGACCCATAGGCCACCAGGGGC[C>T]GATTGGCCAAGAAGGTGAGTGACAGTGGGGAAGGACCTTCCCAGGTCCTAGTGCTCTGGA-3'
Protein context (NP_001837.2, residues 1453-1473): GDEGPIGHQG[Pro1463Leu]IGQEGAPGRP

ClinVar aggregate classification (germline): Uncertain significance (1 of 4 stars; one submission).

Allele frequency attached by ClinVar (database versions not stated): gnomAD exomes below 0.00001 and 0.00001; TOPMed below 0.00001; ExAC 0.00001.
gnomAD v4.1: 7 of 1,613,626 alleles (0.00043%); highest among the groups gnomAD compares: East Asian, 0.0022%; no homozygotes.

Submission:

Labcorp Genetics (formerly Invitae), Labcorp
Classification: Uncertain significance. Last evaluated: 2022-08-23. Review status: criteria provided, single submitter. Criteria: Invitae Variant Classification Sherloc (09022015). Collection method: clinical testing. Allele origin: germline.
Comment: ClinVar contains an entry for this variant (Variation ID: 1497303). Advanced modeling of protein sequence and biophysical properties (such as structural, functional, and spatial information, amino acid conservation, physicochemical variation, residue mobility, and thermodynamic stability) performed at Invitae indicates that this missense variant is not expected to disrupt COL4A2 protein function. In summary, the available evidence is currently insufficient to determine the role of this variant in disease. Therefore, it has been classified as a Variant of Uncertain Significance. This sequence change replaces proline, which is neutral and non-polar, with leucine, which is neutral and non-polar, at codon 1463 of the COL4A2 protein (p.Pro1463Leu). This variant is present in population databases (rs766824658, gnomAD 0.006%). This variant has not been reported in the literature in individuals affected with COL4A2-related conditions.